The following is an entry in ClinVar:

ClinVar aggregate classification (germline): Uncertain significance (1 of 4 stars; one submission).

Allele frequency attached by ClinVar (database versions not stated): ESP Exome Variant Server 0.00008.
gnomAD v4.1: 54 of 1,608,562 alleles (0.0034%); highest among the groups gnomAD compares: Non-Finnish European, 0.0042%; no homozygotes.

Submission:

Labcorp Genetics (formerly Invitae), Labcorp
Classification: Uncertain significance. Last evaluated: 2024-07-03. Review status: criteria provided, single submitter. Criteria: Invitae Variant Classification Sherloc (09022015). Collection method: clinical testing. Allele origin: germline.
Comment: This sequence change replaces alanine, which is neutral and non-polar, with proline, which is neutral and non-polar, at codon 1023 of the ARHGEF10 protein (p.Ala1023Pro). This variant is present in population databases (rs147809100, gnomAD 0.008%). This variant has not been reported in the literature in individuals affected with ARHGEF10-related conditions. ClinVar contains an entry for this variant (Variation ID: 1447436). An algorithm developed to predict the effect of missense changes on protein structure and function (PolyPhen-2) suggests that this variant is likely to be tolerated. In summary, the available evidence is currently insufficient to determine the role of this variant in disease. Therefore, it has been classified as a Variant of Uncertain Significance.

NM_014629.4(ARHGEF10):c.3067G>C (p.Ala1023Pro)

Gene: ARHGEF10 (Rho guanine nucleotide exchange factor 10; plus strand). Cytogenetic location: 8p23.3.
Variant type: single nucleotide variant.
Coding change: c.3067G>C on transcript NM_014629.4 (MANE Select); coding-DNA position 3067, G replaced by C.
Protein change: p.Ala1023Pro; replaces alanine 1023 with proline.
Molecular consequence: missense variant.
Genome position (GRCh38, 1-based): chr8:1,929,431, G>C. VCF-style: chr8-1929431-G-C. GRCh37 (hg19) VCF-style: chr8-1877597-G-C.
Other names: c.2953G>C, p.Ala985Pro (NM_001308152.2); c.3067G>C, p.Ala1023Pro (NM_001308153.3); short protein forms A1047P, A985P, A1023P.
Identifiers: ClinVar variation 1447436 (VCV001447436.6), dbSNP rs147809100, ClinGen allele CA4601175.
Genomic context (GRCh38, chr8:1,929,431, plus strand): 5'-CTGGCTTGCACGTCTCAGAGCCTGTACGCTGGCCTGGTCAACGGGGCAGTCGCCAGCTAC[G>C]CCAGAGCCCCAGGTGAGGCGGGTCTCACGGCCTCCTGGCCGGTCCTTGGGGTTCACTCAG-3'
Protein context (NP_055444.2, residues 1013-1033): GLVNGAVASY[Ala1023Pro]RAPDGSWDSE